The following is an entry in ClinVar:

NM_001365308.1(BMPER):c.860A>G (p.Glu287Gly)

Gene: BMPER (BMP binding endothelial regulator; plus strand). Cytogenetic location: 7p14.3.
Variant type: single nucleotide variant.
Coding change: c.860A>G on transcript NM_001365308.1 (MANE Select); coding-DNA position 860, A replaced by G.
Protein change: p.Glu287Gly; replaces glutamic acid 287 with glycine.
Molecular consequence: missense variant.
Genome position (GRCh38, 1-based): chr7:34,055,236, A>G. VCF-style: chr7-34055236-A-G. GRCh37 (hg19) VCF-style: chr7-34094848-A-G.
Other names: c.860A>G, p.Glu287Gly (NM_133468.5); c.860A>G (NM_133468.3); short protein forms E287G.
Identifiers: ClinVar variation 1379602 (VCV001379602.6), dbSNP rs1422913671, ClinGen allele CA367257851.

ClinVar aggregate classification (germline): Uncertain significance. Review status: criteria provided, multiple submitters, no conflicts (2 of 4 stars). 2 submissions from 2 submitters: Uncertain significance (2). Last evaluated 2023-11-07.

Conditions:
Inborn genetic diseases. Identifiers: MedGen C0950123, MeSH D030342.

Allele frequency attached by ClinVar (database versions not stated): gnomAD exomes 0.00001; TOPMed 0.00001.
gnomAD v4.1: 21 of 1,614,156 alleles (0.0013%); highest among the groups gnomAD compares: Non-Finnish European, 0.0018%; no homozygotes.

Submissions (2):

Ambry Genetics
Classification: Uncertain significance for Inborn genetic diseases. Last evaluated: 2023-11-07. Review status: criteria provided, single submitter. Criteria: Ambry Variant Classification Scheme 2023. Collection method: clinical testing. Allele origin: germline.

Labcorp Genetics (formerly Invitae), Labcorp
Classification: Uncertain significance. Last evaluated: 2021-09-24. Review status: criteria provided, single submitter. Criteria: Invitae Variant Classification Sherloc (09022015). Collection method: clinical testing. Allele origin: germline.
Comment: This sequence change replaces glutamic acid with glycine at codon 287 of the BMPER protein (p.Glu287Gly). The glutamic acid residue is moderately conserved and there is a moderate physicochemical difference between glutamic acid and glycine. This variant is not present in population databases (ExAC no frequency). This variant has not been reported in the literature in individuals with BMPER-related conditions. Algorithms developed to predict the effect of missense changes on protein structure and function are either unavailable or do not agree on the potential impact of this missense change (SIFT: "Deleterious"; PolyPhen-2: "Benign"; Align-GVGD: "Class C0"). In summary, the available evidence is currently insufficient to determine the role of this variant in disease. Therefore, it has been classified as a Variant of Uncertain Significance.